The following is an entry in ClinVar:

ClinVar aggregate classification (germline): Conflicting classifications of pathogenicity. Review status: criteria provided, conflicting classifications (1 of 4 stars). 11 submissions from 9 submitters: Uncertain significance (10); Likely benign (1). Last evaluated 2026-03-25.

Conditions:
Inborn genetic diseases. Identifiers: MedGen C0950123, MeSH D030342.
Charcot-Marie-Tooth disease axonal type 2X. Also called: CHARCOT-MARIE-TOOTH DISEASE, AXONAL, AUTOSOMAL RECESSIVE, TYPE 2X; CHARCOT-MARIE-TOOTH NEUROPATHY, TYPE 2X. Identifiers: Orphanet 466775, MedGen C5569024, MONDO:0014726, OMIM 616668.
Amyotrophic lateral sclerosis type 5 (ALS5). Also called: AMYOTROPHIC LATERAL SCLEROSIS 5, JUVENILE. Identifiers: Orphanet 300605, MedGen C1865864, MONDO:0011196, OMIM 602099.
Hereditary spastic paraplegia 11. Also called: Spastic paraplegia, mental retardation and thin corpus callosum; Nakamura Osame syndrome; Autosomal recessive hereditary spastic paraplegia, mental impairment, and thin corpus callosum; SPASTIC PARAPLEGIA, AUTOSOMAL RECESSIVE, COMPLICATED, WITH THIN CORPUS CALLOSUM; SPASTIC PARAPLEGIA, AUTOSOMAL RECESSIVE, WITH MENTAL IMPAIRMENT AND THIN CORPUS CALLOSUM; Spastic Paraplegia 11. Identifiers: Orphanet 2822, MedGen C1858479, MONDO:0011445, OMIM 604360.
Hereditary spastic paraplegia. Also called: Familial spastic paraparesis. Identifiers: Orphanet 685, MedGen C0037773, MONDO:0019064. Disease mechanism: loss of function.

Allele frequency attached by ClinVar (database versions not stated): TOPMed 0.00015; gnomAD 0.00016 and 0.00021; gnomAD exomes 0.00016 and 0.00029; ExAC 0.00018; ESP Exome Variant Server 0.00023.
gnomAD v4.1: 446 of 1,611,320 alleles (0.028%); highest among the groups gnomAD compares: South Asian, 0.071%; 1 homozygote.

Submissions (11):

Women's Health and Genetics/Laboratory Corporation of America, LabCorp
Classification: Uncertain significance. Last evaluated: 2026-03-25. Review status: criteria provided, single submitter. Criteria: LabCorp Variant Classification Summary - May 2015. Collection method: clinical testing. Allele origin: germline.
Comment: Variant summary: SPG11 c.5315G>A (p.Arg1772His) results in a non-conservative amino acid change in the encoded protein sequence. Algorithms developed to predict the effect of missense changes on protein structure and function are either unavailable or do not agree on the potential impact of this missense change. The variant allele was found at a frequency of 0.00016 in 250066 control chromosomes. This frequency is not significantly higher than estimated for disease-causing variants in SPG11, allowing no conclusion about variant significance. To our knowledge, no occurrence of c.5315G>A in individuals affected with SPG11-related conditions and no experimental evidence demonstrating its impact on protein function have been reported. ClinVar contains an entry for this variant (Variation ID: 466538). Based on the evidence outlined above, the variant was classified as uncertain significance.

Labcorp Genetics (formerly Invitae), Labcorp
Classification: Likely benign for Hereditary spastic paraplegia 11. Last evaluated: 2026-01-27. Review status: criteria provided, single submitter. Criteria: Invitae Variant Classification Sherloc (09022015). Collection method: clinical testing. Allele origin: germline.

Athena Diagnostics
Classification: Uncertain significance. Last evaluated: 2025-09-24. Review status: criteria provided, single submitter. Criteria: Athena Diagnostics Criteria. Collection method: clinical testing. Allele origin: unknown.
Comment: Available data are insufficient to determine the clinical significance of the variant at this time. The frequency of this variant in the general population is uninformative in assessment of its pathogenicity. Polyphen and MutationTaster yielded discordant predictions regarding whether this amino acid change is damaging to the protein.

Mayo Clinic Laboratories, Mayo Clinic
Classification: Uncertain significance. Last evaluated: 2024-03-07. Review status: criteria provided, single submitter. Criteria: ACMG Guidelines, 2015. Collection method: clinical testing. Allele origin: germline. Observed: 1 variant allele.

Ambry Genetics
Classification: Uncertain significance for Inborn genetic diseases. Last evaluated: 2023-06-28. Review status: criteria provided, single submitter. Criteria: Ambry Variant Classification Scheme 2023. Collection method: clinical testing. Allele origin: germline.

GeneDx
Classification: Uncertain significance. Last evaluated: 2022-12-29. Review status: criteria provided, single submitter. Criteria: GeneDx Variant Classification Process June 2021. Collection method: clinical testing. Allele origin: germline. Affected: yes.
Comment: In silico analysis supports that this missense variant has a deleterious effect on protein structure/function; Has not been previously published as pathogenic or benign to our knowledge; This variant is associated with the following publications: (PMID: 26556829)

Genome Diagnostics Laboratory, The Hospital for Sick Children
Classification: Uncertain significance for Hereditary spastic paraplegia. Last evaluated: 2020-10-05. Review status: criteria provided, single submitter. Criteria: ACMG Guidelines, 2015. Collection method: clinical testing. Allele origin: germline. Affected: yes.

Illumina Laboratory Services, Illumina
Classification: Uncertain significance for Hereditary spastic paraplegia 11. Last evaluated: 2018-01-13. Review status: criteria provided, single submitter. Criteria: ICSL Variant Classification Criteria 13 December 2019. Collection method: clinical testing. Allele origin: germline.

Genome-Nilou Lab
Classification: Uncertain significance for Amyotrophic lateral sclerosis type 5. Review status: criteria provided, single submitter. Criteria: ACMG Guidelines, 2015. Collection method: clinical testing. Allele origin: germline.

Genome-Nilou Lab
Classification: Uncertain significance for Charcot-Marie-Tooth disease axonal type 2X. Review status: criteria provided, single submitter. Criteria: ACMG Guidelines, 2015. Collection method: clinical testing. Allele origin: germline.

Genome-Nilou Lab
Classification: Uncertain significance for Hereditary spastic paraplegia 11. Review status: criteria provided, single submitter. Criteria: ACMG Guidelines, 2015. Collection method: clinical testing. Allele origin: germline.

NM_025137.4(SPG11):c.5315G>A (p.Arg1772His)

Gene: SPG11 (SPG11 vesicle trafficking associated, spatacsin; minus strand). Cytogenetic location: 15q21.1.
Variant type: single nucleotide variant.
Coding change: c.5315G>A on transcript NM_025137.4 (MANE Select); coding-DNA position 5315, G replaced by A.
Protein change: p.Arg1772His; replaces arginine 1772 with histidine.
Molecular consequence: missense variant.
Genome position (GRCh38, 1-based): chr15:44,584,365, C>T on the plus strand (G>A on the coding strand, the complement: SPG11 is on the minus strand). VCF-style: chr15-44584365-C-T. GRCh37 (hg19) VCF-style: chr15-44876563-C-T.
Other names: p.Arg1772His; c.5315G>A, p.Arg1772His (NM_001160227.2); short protein forms R1772H.
Identifiers: ClinVar variation 466538 (VCV000466538.23), dbSNP rs150823040, ClinGen allele CA7534430.
Genomic context (GRCh38, chr15:44,584,365, plus strand): 5'-TCCAAGGGCACCACGTCCTCCTGGGCAAGCCAGTGCCCTGCCAAGGTGAGCAGCAGATGG[C>T]GCTCCTCCATGCTGCTCCATCCAGTTGGGTGCTCACATGCCACATGGGCCTGGGTTGAGA-3'
Protein context (NP_079413.3, residues 1762-1782): HPTGWSSMEE[Arg1772His]HLLLTLAGHW